The following is an entry in ClinVar:

ClinVar aggregate classification (germline): Uncertain significance (1 of 4 stars; one submission).

Allele frequency attached by ClinVar (database versions not stated): TOPMed 0.00001.
gnomAD v4.1: 4 of 1,614,022 alleles (0.00025%); highest among the groups gnomAD compares: Admixed American, 0.0033%; no homozygotes.

Submission:

Ambry Genetics
Classification: Uncertain significance. Last evaluated: 2023-11-03. Review status: criteria provided, single submitter. Criteria: Ambry Variant Classification Scheme 2023. Collection method: clinical testing. Allele origin: germline.
Comment: The p.I1387V variant (also known as c.4159A>G), located in coding exon 16 of the POLQ gene, results from an A to G substitution at nucleotide position 4159. The isoleucine at codon 1387 is replaced by valine, an amino acid with highly similar properties. This amino acid position is conserved. In addition, this alteration is predicted to be tolerated by in silico analysis. Since supporting evidence is limited at this time, the clinical significance of this alteration remains unclear.

NM_199420.4(POLQ):c.4159A>G (p.Ile1387Val)

Gene: POLQ (DNA polymerase theta; minus strand). Cytogenetic location: 3q13.33.
Variant type: single nucleotide variant.
Coding change: c.4159A>G on transcript NM_199420.4 (MANE Select); coding-DNA position 4159, A replaced by G.
Protein change: p.Ile1387Val; replaces isoleucine 1387 with valine.
Molecular consequence: missense variant.
Genome position (GRCh38, 1-based): chr3:121,488,772, T>C on the plus strand (A>G on the coding strand, the complement: POLQ is on the minus strand). VCF-style: chr3-121488772-T-C. GRCh37 (hg19) VCF-style: chr3-121207619-T-C.
Other names: short protein forms I1387V.
Identifiers: ClinVar variation 1738312 (VCV001738312.2), dbSNP rs750296801, ClinGen allele CA354095947.
Genomic context (GRCh38, chr3:121,488,772, plus strand): 5'-CCCCATGTGAATCACTGCTTTGTTTCATAGTACCTACAGTCTTAAGGTCCAAATGATCTA[T>C]CTTAGTCGCTCCTAGAGGGTGCTGTTCAGCAGGAAAAGGAATGTGACACTCCTTCTGAAA-3'
Protein context (NP_955452.3, residues 1377-1397): AEQHPLGATK[Ile1387Val]DHLDLKTVGT